The following is an entry in ClinVar:

NM_021942.6(TRAPPC11):c.2230A>G (p.Ser744Gly)

Gene: TRAPPC11 (trafficking protein particle complex subunit 11; plus strand). Cytogenetic location: 4q35.1.
Variant type: single nucleotide variant.
Coding change: c.2230A>G on transcript NM_021942.6 (MANE Select); coding-DNA position 2230, A replaced by G.
Protein change: p.Ser744Gly; replaces serine 744 with glycine.
Molecular consequence: missense variant.
Genome position (GRCh38, 1-based): chr4:183,693,140, A>G. VCF-style: chr4-183693140-A-G. GRCh37 (hg19) VCF-style: chr4-184614293-A-G.
Other names: c.2230A>G, p.Ser744Gly (NM_199053.3); short protein forms S744G.
Identifiers: ClinVar variation 1962986 (VCV001962986.5), dbSNP rs759792896, ClinGen allele CA3152131.
Genomic context (GRCh38, chr4:183,693,140, plus strand): 5'-AAAAGGCGACCTAAGCTACCTGACAATGAAGTTCACTGGGACAGCATTATAATTCAGGCA[A>G]GCACAATGTAAGTCTGCTTTGCTAAGCTGATATTAAAGGTCATCCTCTTATTTCTTTTGC-3'
Protein context (NP_068761.4, residues 734-754): VHWDSIIIQA[Ser744Gly]TMIISRVPNI

ClinVar aggregate classification (germline): Uncertain significance (1 of 4 stars; one submission).

Conditions:
Autosomal recessive limb-girdle muscular dystrophy type R18 (LGMDR18). Also called: MUSCULAR DYSTROPHY, LIMB-GIRDLE, AUTOSOMAL RECESSIVE 18; Autosomal recessive limb-girdle muscular dystrophy type 2S; Limb-girdle muscular dystrophy, type 2S. Identifiers: Orphanet 369840, MedGen C4517996, MONDO:0014144, OMIM 615356.

Allele frequency attached by ClinVar (database versions not stated): ExAC 0.00001.

Submission:

Labcorp Genetics (formerly Invitae), Labcorp
Classification: Uncertain significance for Autosomal recessive limb-girdle muscular dystrophy type R18. Last evaluated: 2022-02-25. Review status: criteria provided, single submitter. Criteria: Invitae Variant Classification Sherloc (09022015). Collection method: clinical testing. Allele origin: germline.
Comment: Algorithms developed to predict the effect of missense changes on protein structure and function (SIFT, PolyPhen-2, Align-GVGD) all suggest that this variant is likely to be tolerated. This variant has not been reported in the literature in individuals affected with TRAPPC11-related conditions. This variant is present in population databases (rs759792896, gnomAD 0.0009%). This sequence change replaces serine, which is neutral and polar, with glycine, which is neutral and non-polar, at codon 744 of the TRAPPC11 protein (p.Ser744Gly). In summary, the available evidence is currently insufficient to determine the role of this variant in disease. Therefore, it has been classified as a Variant of Uncertain Significance.